The following is an entry in ClinVar:

NM_022458.4(LMBR1):c.423+5256T>G

Genes: LMBR1 (limb development membrane protein 1; minus strand), ZRS (ZPA regulatory sequence; plus strand). Cytogenetic location: 7q36.3.
Variant type: single nucleotide variant.
Coding change: c.423+5256T>G on transcript NM_022458.4 (MANE Select); 5256 bases into the intron after coding-DNA position 423, T replaced by G.
Molecular consequence: intron variant.
Genome position (GRCh38, 1-based): chr7:156,791,133, A>C on the plus strand (T>G on the coding strand, the complement: LMBR1 is on the minus strand). VCF-style: chr7-156791133-A-C. GRCh37 (hg19) VCF-style: chr7-156583827-A-C.
Other names: c.360+5256T>G (NM_001363412.2); c.144+5256T>G (NM_001350954.2); c.423+5256T>G (NM_001363410.2, NM_001363409.2, NM_001350953.2); c.-112+5256T>G (NM_001350958.2, NM_001350956.2, NM_001350955.2 and 1 more transcripts); c.54+5256T>G (NM_001350957.2, NM_001363411.2).
Identifiers: ClinVar variation 1929405 (VCV001929405.5), dbSNP rs2536128236, ClinGen allele CA2579850815.

ClinVar aggregate classification (germline): Likely pathogenic (1 of 4 stars; one submission).

Submission:

Labcorp Genetics (formerly Invitae), Labcorp
Classification: Likely pathogenic. Last evaluated: 2023-04-11. Review status: criteria provided, single submitter. Criteria: Invitae Variant Classification Sherloc (09022015). Collection method: clinical testing. Allele origin: germline.
Comment: In summary, the currently available evidence indicates that the variant is pathogenic, but additional data are needed to prove that conclusively. Therefore, this variant has been classified as Likely Pathogenic. Algorithms developed to predict the effect of sequence changes on RNA splicing suggest that this variant is not likely to affect RNA splicing. ClinVar contains an entry for this variant (Variation ID: 1929405). This variant has been observed in individual(s) with polydactyly (Invitae). In at least one individual the variant was observed to be de novo. This variant is not present in population databases (gnomAD no frequency). This variant falls within the ZRS enhancer region located within intron 5 of the LMBR1 gene (c.423+5256T>G). Variants in this region have been shown to impact SHH gene expression.